The following is an entry in ClinVar:

NC_000002.12:g.121530903G>C

Genes: CLASP1 (cytoplasmic linker associated protein 1; minus strand), CLASP1-AS1 (CLASP1 antisense RNA 1; plus strand), RNU4ATAC (RNA, U4atac small nuclear; plus strand). Cytogenetic location: 2q14.2.
Variant type: single nucleotide variant.
Molecular consequence: intron variant (on NM_001395891.1).
Genome position: GRCh38 VCF-style: chr2-121530903-G-C. GRCh37 (hg19) VCF-style: chr2-122288479-G-C.
Other names: c.196-578C>G (NM_001142274.2, NM_015282.3, NM_001378003.1 and 5 more transcripts).
Identifiers: ClinVar variation 1504902 (VCV001504902.3), dbSNP rs754423211, ClinGen allele CA54810790.
Genomic context (GRCh38, chr2:121,530,903, plus strand): 5'-GGCGCTTCCTGCTTGCAGCCCAGGGACTTTCTATTATAACCATCCTTTTCTTGGGGTTGC[G>C]CTACTGTCCAATGAGCGCATAGTGAGGGCAGTACTGCTAACGCCTGAACAACACACCCGC-3'

ClinVar aggregate classification (germline): Uncertain significance (1 of 4 stars; one submission).

gnomAD v4.1: 14 of 695,272 alleles (0.002%); highest among the groups gnomAD compares: African/African-American, 0.0035%; no homozygotes.

Submission:

Labcorp Genetics (formerly Invitae), Labcorp
Classification: Uncertain significance. Last evaluated: 2021-10-01. Review status: criteria provided, single submitter. Criteria: Invitae Variant Classification Sherloc (09022015). Collection method: clinical testing. Allele origin: germline.
Comment: This variant occurs in the RNU4ATAC gene, which encodes an RNA molecule that does not result in a protein product. The frequency data for this variant in the population databases is considered unreliable, as metrics indicate insufficient coverage at this position in the ExAC database. This variant has not been reported in the literature in individuals affected with RNU4ATAC-related conditions. Experimental studies and prediction algorithms are not available or were not evaluated, and the functional significance of this variant is currently unknown. In summary, the available evidence is currently insufficient to determine the role of this variant in disease. Therefore, it has been classified as a Variant of Uncertain Significance.